The following is an entry in ClinVar:

ClinVar aggregate classification (germline): Uncertain significance (1 of 4 stars; one submission).

Conditions:
Severe combined immunodeficiency, autosomal recessive, T cell-negative, B cell-negative, NK cell-positive. Also called: Severe combined immunodeficiency due to complete RAG1/2 deficiency; SCID, T CELL-NEGATIVE, B CELL-NEGATIVE, NK CELL-POSITIVE; SCID, AR, T-cell negative, B-cell negative, NK cell-positive. Identifiers: Orphanet 331206, MedGen C1832322, MONDO:0011086, OMIM 601457.
Combined immunodeficiency with skin granulomas. Identifiers: Orphanet 157949, MedGen C2673536, MONDO:0009306, OMIM 233650.

Submission:

Labcorp Genetics (formerly Invitae), Labcorp
Classification: Uncertain significance for Combined immunodeficiency with skin granulomas; Severe combined immunodeficiency, autosomal recessive, T cell-negative, B cell-negative, NK cell-positive. Last evaluated: 2021-02-19. Review status: criteria provided, single submitter. Criteria: Invitae Variant Classification Sherloc (09022015). Collection method: clinical testing. Allele origin: germline.
Comment: In summary, the available evidence is currently insufficient to determine the role of this variant in disease. Therefore, it has been classified as a Variant of Uncertain Significance. Advanced modeling of protein sequence and biophysical properties (such as structural, functional, and spatial information, amino acid conservation, physicochemical variation, residue mobility, and thermodynamic stability) performed at Invitae indicates that this missense variant is not expected to disrupt RAG1 protein function. This variant has not been reported in the literature in individuals with RAG1-related conditions. This variant is not present in population databases (ExAC no frequency). This sequence change replaces glutamic acid with lysine at codon 689 of the RAG1 protein (p.Glu689Lys). The glutamic acid residue is moderately conserved and there is a small physicochemical difference between glutamic acid and lysine.

NM_000448.3(RAG1):c.2065G>A (p.Glu689Lys)

Gene: RAG1 (recombination activating 1; plus strand). Cytogenetic location: 11p12.
Variant type: single nucleotide variant.
Coding change: c.2065G>A on transcript NM_000448.3 (MANE Select); coding-DNA position 2065, G replaced by A.
Protein change: p.Glu689Lys; replaces glutamic acid 689 with lysine.
Molecular consequence: missense variant.
Genome position (GRCh38, 1-based): chr11:36,575,369, G>A. VCF-style: chr11-36575369-G-A. GRCh37 (hg19) VCF-style: chr11-36596919-G-A.
Other names: c.2065G>A, p.Glu689Lys (NM_001377277.1, NM_001377278.1, NM_001377279.1 and 1 more transcripts); short protein forms E689K.
Identifiers: ClinVar variation 1410632 (VCV001410632.8), dbSNP rs2133296872, ClinGen allele CA380153916.
Genomic context (GRCh38, chr11:36,575,369, plus strand): 5'-GAGACGCTGACTGCCATCCTGAGTCCTCTCATTGCTGAGAGGGAGGCCATGAAGAGCAGT[G>A]AATTAATGCTTGAGCTGGGAGGCATTCTCCGGACTTTCAAGTTCATCTTCAGGGGCACCG-3'
Protein context (NP_000439.2, residues 679-699): IAEREAMKSS[Glu689Lys]LMLELGGILR